The following is an entry in ClinVar:

NM_153046.3(TDRD9):c.3626C>T (p.Thr1209Met)

Gene: TDRD9 (tudor domain containing 9; plus strand). Cytogenetic location: 14q32.33.
Variant type: single nucleotide variant.
Coding change: c.3626C>T on transcript NM_153046.3 (MANE Select); coding-DNA position 3626, C replaced by T.
Protein change: p.Thr1209Met; replaces threonine 1209 with methionine.
Molecular consequence: missense variant.
Genome position (GRCh38, 1-based): chr14:104,034,966, C>T. VCF-style: chr14-104034966-C-T. GRCh37 (hg19) VCF-style: chr14-104501303-C-T.
Other names: short protein forms T1209M.
Identifiers: ClinVar variation 3055404 (VCV003055404.3), dbSNP rs550509205, ClinGen allele CA7369116.

ClinVar aggregate classification (germline): Uncertain significance. Review status: criteria provided, single submitter (1 of 4 stars). 2 submissions from 2 submitters: Uncertain significance (1). 1 of the submissions does not count toward it. Last evaluated 2025-10-07.

Conditions:
TDRD9-related disorder. Also called: TDRD9-related condition.

Allele frequency attached by ClinVar (database versions not stated): 1000 Genomes Project 0.00040; TOPMed 0.00060; gnomAD 0.00027; 1000 Genomes Project 30x 0.00047; ExAC 0.00009.
gnomAD v4.1: 282 of 1,551,186 alleles (0.018%); highest among the groups gnomAD compares: Admixed American, 0.49%; 1 homozygote.

Submissions (2):

Ambry Genetics
Classification: Uncertain significance. Last evaluated: 2025-10-07. Review status: criteria provided, single submitter. Criteria: Ambry Variant Classification Scheme 2023. Collection method: clinical testing. Allele origin: germline.

PreventionGenetics, part of Exact Sciences
Classification: Likely benign for TDRD9-related condition. Last evaluated: 2019-11-26. Review status: no assertion criteria provided. Collection method: clinical testing. Allele origin: germline. Not counted in ClinVar's aggregate classification.
Comment: This variant is classified as likely benign based on ACMG/AMP sequence variant interpretation guidelines (Richards et al. 2015 PMID: 25741868, with internal and published modifications).